The following is an entry in ClinVar:

NM_001286611.2(REPS1):c.517A>G (p.Thr173Ala)

Gene: REPS1 (RALBP1 associated Eps domain containing 1; minus strand). Cytogenetic location: 6q24.1.
Variant type: single nucleotide variant.
Coding change: c.517A>G on transcript NM_001286611.2 (MANE Select); coding-DNA position 517, A replaced by G.
Protein change: p.Thr173Ala; replaces threonine 173 with alanine.
Molecular consequence: missense variant.
Genome position (GRCh38, 1-based): chr6:138,945,330, T>C on the plus strand (A>G on the coding strand, the complement: REPS1 is on the minus strand). VCF-style: chr6-138945330-T-C. GRCh37 (hg19) VCF-style: chr6-139266467-T-C.
Other names: c.517A>G, p.Thr173Ala (NM_001128617.3, NM_001286612.2, NM_031922.5); short protein forms T173A.
Identifiers: ClinVar variation 2047899 (VCV002047899.4), dbSNP rs2483023774, ClinGen allele CA365814952.

ClinVar aggregate classification (germline): Uncertain significance (1 of 4 stars; one submission).

gnomAD v4.1: 3 of 1,612,178 alleles (0.00019%); highest among the groups gnomAD compares: Non-Finnish European, 0.00025%; no homozygotes.

Submission:

Labcorp Genetics (formerly Invitae), Labcorp
Classification: Uncertain significance. Last evaluated: 2022-06-04. Review status: criteria provided, single submitter. Criteria: Invitae Variant Classification Sherloc (09022015). Collection method: clinical testing. Allele origin: germline.
Comment: In summary, the available evidence is currently insufficient to determine the role of this variant in disease. Therefore, it has been classified as a Variant of Uncertain Significance. Algorithms developed to predict the effect of sequence changes on RNA splicing suggest that this variant may create or strengthen a splice site. Algorithms developed to predict the effect of missense changes on protein structure and function output the following: SIFT: "Deleterious"; PolyPhen-2: "Benign"; Align-GVGD: "Class C0". The alanine amino acid residue is found in multiple mammalian species, which suggests that this missense change does not adversely affect protein function. This variant has not been reported in the literature in individuals affected with REPS1-related conditions. This variant is not present in population databases (gnomAD no frequency). This sequence change replaces threonine, which is neutral and polar, with alanine, which is neutral and non-polar, at codon 173 of the REPS1 protein (p.Thr173Ala).